The following is an entry in ClinVar:

NM_002335.4(LRP5):c.4025G>T (p.Arg1342Leu)

Gene: LRP5 (LDL receptor related protein 5; plus strand). Cytogenetic location: 11q13.2.
Variant type: single nucleotide variant.
Coding change: c.4025G>T on transcript NM_002335.4 (MANE Select); coding-DNA position 4025, G replaced by T.
Protein change: p.Arg1342Leu; replaces arginine 1342 with leucine.
Molecular consequence: missense variant.
Genome position (GRCh38, 1-based): chr11:68,436,913, G>T. VCF-style: chr11-68436913-G-T. GRCh37 (hg19) VCF-style: chr11-68204381-G-T.
Other names: c.2282G>T, p.Arg761Leu (NM_001291902.2); short protein forms R761L, R1342L.
Identifiers: ClinVar variation 2049832 (VCV002049832.5), dbSNP rs150088620, ClinGen allele CA6150211.

ClinVar aggregate classification (germline): Uncertain significance. Review status: criteria provided, multiple submitters, no conflicts (2 of 4 stars). 2 submissions from 2 submitters: Uncertain significance (2). Last evaluated 2025-11-08.

Conditions:
Worth disease. Also called: ENDOSTEAL HYPEROSTOSIS, AUTOSOMAL DOMINANT; OSTEOSCLEROSIS, AUTOSOMAL DOMINANT; Autosomal dominant osteosclerosis, Worth type. Identifiers: Orphanet 2790, MedGen C0432273, MONDO:0007764, OMIM 144750.
Bone mineral density quantitative trait locus 1 (BMND1). Identifiers: MedGen C1866079, OMIM 601884.
Autosomal dominant osteopetrosis 1 (OPTA1). Also called: OSTEOPETROSIS, AUTOSOMAL DOMINANT, TYPE I. Identifiers: Orphanet 2783, MedGen C1843330, MONDO:0011877, OMIM 607634.
Osteoporosis with pseudoglioma (OPPG). Also called: osteoporosis-pseudoglioma syndrome. Identifiers: Orphanet 2788, MedGen C0432252, MONDO:0009820, OMIM 259770.
Exudative vitreoretinopathy 4 (EVR4). Identifiers: Orphanet 891, MedGen C1866176, MONDO:0011151, OMIM 601813.
Polycystic liver disease 4 with or without kidney cysts. Identifiers: MedGen C4693479, MONDO:0044327, OMIM 617875.

Allele frequency attached by ClinVar (database versions not stated): ESP Exome Variant Server 0.00015.

Submissions (2):

Labcorp Genetics (formerly Invitae), Labcorp
Classification: Uncertain significance. Last evaluated: 2025-11-08. Review status: criteria provided, single submitter. Criteria: Invitae Variant Classification Sherloc (09022015). Collection method: clinical testing. Allele origin: germline.
Comment: This sequence change replaces arginine, which is basic and polar, with leucine, which is neutral and non-polar, at codon 1342 of the LRP5 protein (p.Arg1342Leu). This variant is present in population databases (rs150088620, gnomAD 0.06%). This variant has not been reported in the literature in individuals affected with LRP5-related conditions. ClinVar contains an entry for this variant (Variation ID: 2049832). Invitae Evidence Modeling of protein sequence and biophysical properties (such as structural, functional, and spatial information, amino acid conservation, physicochemical variation, residue mobility, and thermodynamic stability) indicates that this missense variant is not expected to disrupt LRP5 protein function with a negative predictive value of 95%. In summary, the available evidence is currently insufficient to determine the role of this variant in disease. Therefore, it has been classified as a Variant of Uncertain Significance.

Fulgent Genetics
Classification: Uncertain significance for Worth disease; Osteoporosis with pseudoglioma; Exudative vitreoretinopathy 4; Bone mineral density quantitative trait locus 1; Autosomal dominant osteopetrosis 1; Polycystic liver disease 4 with or without kidney cysts. Last evaluated: 2024-02-14. Review status: criteria provided, single submitter. Criteria: ACMG Guidelines, 2015. Collection method: clinical testing. Allele origin: germline.